The following is an entry in ClinVar:

NM_015912.4(FAM135B):c.526C>T (p.Gln176Ter)

Gene: FAM135B (family with sequence similarity 135 member B; minus strand). Cytogenetic location: 8q24.23.
Variant type: single nucleotide variant.
Coding change: c.526C>T on transcript NM_015912.4 (MANE Select); coding-DNA position 526, C replaced by T.
Protein change: p.Gln176Ter; replaces glutamine 176 with a stop codon.
Molecular consequence: nonsense.
Genome position (GRCh38, 1-based): chr8:138,250,857, G>A on the plus strand (C>T on the coding strand, the complement: FAM135B is on the minus strand). VCF-style: chr8-138250857-G-A. GRCh37 (hg19) VCF-style: chr8-139263100-G-A.
Other names: c.526C>T, p.Gln176Ter (NM_001362965.2); short protein forms Q176*.
Identifiers: ClinVar variation 2505227 (VCV002505227.1), dbSNP rs2130483350, ClinGen allele CA372308679.

ClinVar aggregate classification (germline): Uncertain significance (1 of 4 stars; one submission).

Submission:

Greenwood Genetic Center Diagnostic Laboratories, Greenwood Genetic Center
Classification: Uncertain significance. Last evaluated: 2023-01-19. Review status: criteria provided, single submitter. Criteria: ACMG Guidelines, 2015. Collection method: clinical testing. Allele origin: germline. Affected: yes.
Comment: Gene of Uncertain Significance